The following is an entry in ClinVar:

NM_001364905.1(LRBA):c.5008GTTTCA[3] (p.Ser1673_Lys1674insValSer)

Gene: LRBA (LPS responsive beige-like anchor protein; minus strand). Cytogenetic location: 4q31.3.
Variant type: Microsatellite.
Coding change: c.5008GTTTCA[3] on transcript NM_001364905.1 (MANE Select); three copies in a row of the 6-base unit GTTTCA starting at c.5008; the reference has two copies in a row; one copy, 6 bases duplicated.
Protein change: p.Ser1673_Lys1674insValSer.
Molecular consequence: inframe insertion. On other transcripts: inframe indel (2).
Genome position (GRCh38, 1-based): chr4:150,828,332-150,828,337, TGAAAC duplicated on the plus strand (GTTTCA on the coding strand, the reverse complement: LRBA is on the minus strand); duplicating any 6 consecutive bases within chr4:150,828,332-150,828,346 gives the same sequence; the position shown is the placement nearest the transcript's 3' end. VCF-style (leftmost placement, unchanged base first): chr4-150828331-T-TTGAAAC. GRCh37 (hg19) VCF-style: chr4-151749483-T-TTGAAAC.
Other names: c.5005_5010TCAGTT[3], p.Ser1673_Lys1674insValSer (NM_006726.5, NM_001199282.3); c.5008GTTTCA[3], p.Ser1673_Lys1674insValSer (NM_001367550.1).
Identifiers: ClinVar variation 3642107 (VCV003642107.2).
Genomic context (GRCh38, chr4:150,828,331, plus strand): 5'-TGACTCCATCTGCTGGTATGTTAACCAAGCTTCGGAGAATGTCTTTCACATTGACGTTTT[T>TTGAAAC]TGAAACTGAAACTGACGGTGTAGCCTTAGTGTCCAAGTCATTTCCTCTATCATTTTTGGT-3'

ClinVar aggregate classification (germline): Uncertain significance (1 of 4 stars; one submission).

Conditions:
Combined immunodeficiency due to LRBA deficiency. Also called: Common variable immunodeficiency 8, with autoimmunity. Identifiers: Orphanet 445018, MedGen C3553512, MONDO:0013863, OMIM 614700.

Submission:

Labcorp Genetics (formerly Invitae), Labcorp
Classification: Uncertain significance for Combined immunodeficiency due to LRBA deficiency. Last evaluated: 2024-02-19. Review status: criteria provided, single submitter. Criteria: Invitae Variant Classification Sherloc (09022015). Collection method: clinical testing. Allele origin: germline.
Comment: This variant, c.5014_5019dup, results in the insertion of 2 amino acid(s) of the LRBA protein (p.Val1672_Ser1673dup), but otherwise preserves the integrity of the reading frame. This variant is not present in population databases (gnomAD no frequency). This variant has not been reported in the literature in individuals affected with LRBA-related conditions. Experimental studies and prediction algorithms are not available or were not evaluated, and the functional significance of this variant is currently unknown. In summary, the available evidence is currently insufficient to determine the role of this variant in disease. Therefore, it has been classified as a Variant of Uncertain Significance.